The following is an entry in ClinVar:

ClinVar aggregate classification (germline): Likely benign (1 of 4 stars; one submission).

gnomAD v4.1: 4 of 1,613,674 alleles (0.00025%); highest among the groups gnomAD compares: African/African-American, 0.0013%; no homozygotes.

Submission:

Molecular Diagnostic Laboratory for Inherited Cardiovascular Disease, Montreal Heart Institute
Classification: Likely benign. Last evaluated: 2025-04-09. Review status: criteria provided, single submitter. Criteria: ACMG Guidelines, 2015. Collection method: clinical testing. Allele origin: germline. Affected: no.
Comment: BP7

NM_170707.4(LMNA):c.906C>T (p.Leu302=)

Gene: LMNA (lamin A/C; plus strand). Cytogenetic location: 1q22.
Variant type: single nucleotide variant.
Coding change: c.906C>T on transcript NM_170707.4 (MANE Select); coding-DNA position 906, C replaced by T.
Protein change: p.Leu302=; no amino-acid change (leucine 302 retained).
Molecular consequence: synonymous variant. On other transcripts: missense variant (4).
Genome position (GRCh38, 1-based): chr1:156,135,282, C>T. VCF-style: chr1-156135282-C-T. GRCh37 (hg19) VCF-style: chr1-156105073-C-T.
Other names: c.570C>T, p.Leu190= (NM_001257374.3, NM_001406989.1, NM_001406998.1); c.663C>T, p.Leu221= (NM_001282624.2, NM_001406986.1, NM_001406987.1); c.906C>T, p.Leu302= (NM_001282625.2, NM_001282626.2, NM_001406983.1 and 6 more transcripts); c.609C>T, p.Leu203= (NM_001406988.1); c.348C>T, p.Leu116= (NM_001406990.1, NM_001406993.1, NM_001406995.1 and 4 more transcripts); c.242C>T, p.Ser81Phe (NM_001406994.1, NM_001406999.1, NM_001407000.1 and 1 more transcripts); short protein forms S81F.
Identifiers: ClinVar variation 3895122 (VCV003895122.1).